The following is an entry in ClinVar:

ClinVar aggregate classification (germline): Conflicting classifications of pathogenicity. Review status: criteria provided, conflicting classifications (1 of 4 stars). 2 submissions from 2 submitters: Likely pathogenic (1); Uncertain significance (1). Last evaluated 2025-11-12.

Conditions:
Early-infantile DEE. Also called: Early infantile epileptic encephalopathy with suppression bursts; Early infantile epileptic encephalopathy; Ohtahara syndrome. Identifiers: Orphanet 1934, MedGen C0393706, MONDO:0800491.

Submissions (2):

Labcorp Genetics (formerly Invitae), Labcorp
Classification: Uncertain significance for Early-infantile DEE. Last evaluated: 2025-11-12. Review status: criteria provided, single submitter. Criteria: Invitae Variant Classification Sherloc (09022015). Collection method: clinical testing. Allele origin: germline.
Comment: This sequence change replaces proline, which is neutral and non-polar, with leucine, which is neutral and non-polar, at codon 82 of the SCN1A protein (p.Pro82Leu). This variant is not present in population databases (gnomAD no frequency). This missense change has been observed in individual(s) with clinical features of SCN1A-related conditions (internal data). ClinVar contains an entry for this variant (Variation ID: 1391311). Invitae Evidence Modeling of protein sequence and biophysical properties (such as structural, functional, and spatial information, amino acid conservation, physicochemical variation, residue mobility, and thermodynamic stability) indicates that this missense variant is expected to disrupt SCN1A protein function with a positive predictive value of 95%. In summary, the available evidence is currently insufficient to determine the role of this variant in disease. Therefore, it has been classified as a Variant of Uncertain Significance.

GeneDx
Classification: Likely pathogenic. Last evaluated: 2025-02-05. Review status: criteria provided, single submitter. Criteria: GeneDx Variant Classification Process June 2021. Collection method: clinical testing. Allele origin: germline. Affected: yes.
Comment: Has not been previously published as pathogenic or benign to our knowledge; Not observed at significant frequency in large population cohorts (gnomAD); In silico analysis supports that this missense variant has a deleterious effect on protein structure/function; This substitution is predicted to be within the N-terminal cytoplasmic domain

NM_001165963.4(SCN1A):c.245C>T (p.Pro82Leu)

Gene: SCN1A (sodium voltage-gated channel alpha subunit 1; minus strand). Cytogenetic location: 2q24.3.
Variant type: single nucleotide variant.
Coding change: c.245C>T on transcript NM_001165963.4 (MANE Select); coding-DNA position 245, C replaced by T.
Protein change: p.Pro82Leu; replaces proline 82 with leucine.
Molecular consequence: missense variant. On other transcripts: 5 prime UTR variant (1), non-coding transcript variant (1).
Genome position (GRCh38, 1-based): chr2:166,073,377, G>A on the plus strand (C>T on the coding strand, the complement: SCN1A is on the minus strand). VCF-style: chr2-166073377-G-A. GRCh37 (hg19) VCF-style: chr2-166929887-G-A.
Other names: c.245C>T, p.Pro82Leu (NM_001165964.3, NM_001353960.2, NM_006920.6 and 10 more transcripts); c.-2181C>T (NM_001353961.2); c.245C>T (NM_001165963.1); short protein forms P82L.
Identifiers: ClinVar variation 1391311 (VCV001391311.8), dbSNP rs2105982111, ClinGen allele CA349242671.
Genomic context (GRCh38, chr2:166,073,377, plus strand): 5'-AGGCAATTAGCAGCAAAATATGCCTGATAAAAAACACTCACTTTCTTATTGATATAGTAG[G>A]GGTCCAGGTCCTCCAGGGGCTCTGACACCATCTCTGGAGGAATGTCTCCATAAATAAATG-3'
Protein context (NP_001159435.1, residues 72-92): MVSEPLEDLD[Pro82Leu]YYINKKTFIV